The following is an entry in ClinVar:

NM_003098.3(SNTA1):c.130C>T (p.Pro44Ser)

Genes: SNTA1 (syntrophin alpha 1; minus strand), LOC130065680 (ATAC-STARR-seq lymphoblastoid silent region 12812; plus strand). Cytogenetic location: 20q11.21.
Variant type: single nucleotide variant.
Coding change: c.130C>T on transcript NM_003098.3 (MANE Select); coding-DNA position 130, C replaced by T.
Protein change: p.Pro44Ser; replaces proline 44 with serine.
Molecular consequence: missense variant.
Genome position (GRCh38, 1-based): chr20:33,443,491, G>A on the plus strand (C>T on the coding strand, the complement: SNTA1 is on the minus strand). VCF-style: chr20-33443491-G-A. GRCh37 (hg19) VCF-style: chr20-32031297-G-A.
Other names: short protein forms P44S.
Identifiers: ClinVar variation 838414 (VCV000838414.10), dbSNP rs1990633233, ClinGen allele CA408634443.

ClinVar aggregate classification (germline): Uncertain significance (1 of 4 stars; one submission).

Conditions:
Long QT syndrome (LQTS). Identifiers: MedGen C0023976, MeSH D008133, MONDO:0002442. Disease mechanism: loss of function. Inheritance: Various modes of inheritance.

Submission:

Labcorp Genetics (formerly Invitae), Labcorp
Classification: Uncertain significance for Long QT syndrome. Last evaluated: 2019-12-02. Review status: criteria provided, single submitter. Criteria: Invitae Variant Classification Sherloc (09022015). Collection method: clinical testing. Allele origin: germline.
Comment: In summary, the available evidence is currently insufficient to determine the role of this variant in disease. Therefore, it has been classified as a Variant of Uncertain Significance. Algorithms developed to predict the effect of missense changes on protein structure and function are either unavailable or do not agree on the potential impact of this missense change (SIFT: "Tolerated"; PolyPhen-2: "Possibly Damaging"; Align-GVGD: "Class C0"). This variant has not been reported in the literature in individuals with SNTA1-related conditions. The frequency data for this variant in the population databases is considered unreliable, as metrics indicate insufficient coverage at this position in the ExAC database. This sequence change replaces proline with serine at codon 44 of the SNTA1 protein (p.Pro44Ser). The proline residue is moderately conserved and there is a moderate physicochemical difference between proline and serine.